The following is an entry in ClinVar:

NM_004260.4(RECQL4):c.194_200del (p.Leu65fs)

Gene: RECQL4 (RecQ like helicase 4; minus strand). Cytogenetic location: 8q24.3.
Variant type: Deletion.
Coding change: c.194_200del on transcript NM_004260.4 (MANE Select); coding-DNA positions 194 to 200, 7 bases deleted (TCCCCGC; older notation c.194_200delTCCCCGC).
Protein change: p.Leu65fs; shifts the reading frame from leucine 65.
Molecular consequence: frameshift variant.
Genome position (GRCh38, 1-based): chr8:144,517,427-144,517,433, GCGGGGA deleted on the plus strand (TCCCCGC on the coding strand, the reverse complement: RECQL4 is on the minus strand); deleting any 7 consecutive bases within chr8:144,517,427-144,517,436 gives the same sequence; the c. name uses the placement nearest the transcript's 3' end. VCF-style (leftmost placement, unchanged base first): chr8-144517426-CGCGGGGA-C. GRCh37 (hg19) VCF-style: chr8-145742810-CGCGGGGA-C.
Other names: short protein forms L65fs.
Identifiers: ClinVar variation 459359 (VCV000459359.5), dbSNP rs1554904685, ClinGen allele CA658657853.

ClinVar aggregate classification (germline): Pathogenic (1 of 4 stars; one submission).

Conditions:
Baller-Gerold syndrome (BGS). Also called: CRANIOSYNOSTOSIS WITH RADIAL DEFECTS. Identifiers: Orphanet 1225, MedGen C0265308, MONDO:0009039, OMIM 218600.

Submission:

Labcorp Genetics (formerly Invitae), Labcorp
Classification: Pathogenic for Baller-Gerold syndrome. Last evaluated: 2022-07-19. Review status: criteria provided, single submitter. Criteria: Invitae Variant Classification Sherloc (09022015). Collection method: clinical testing. Allele origin: germline.
Comment: For these reasons, this variant has been classified as Pathogenic. ClinVar contains an entry for this variant (Variation ID: 459359). This variant has not been reported in the literature in individuals affected with RECQL4-related conditions. This variant is not present in population databases (gnomAD no frequency). This sequence change creates a premature translational stop signal (p.Leu65Argfs*16) in the RECQL4 gene. It is expected to result in an absent or disrupted protein product. Loss-of-function variants in RECQL4 are known to be pathogenic (PMID: 12734318, 12952869).

Literature cited by the submitters: PubMed 12734318; PubMed 12952869.